The following is an entry in ClinVar:

ClinVar aggregate classification (germline): Likely pathogenic (1 of 4 stars; one submission).

Submission:

Quest Diagnostics Nichols Institute San Juan Capistrano
Classification: Likely pathogenic. Last evaluated: 2022-11-29. Review status: criteria provided, single submitter. Criteria: ACMG/ClinGen CNV Guidelines, 2019. Collection method: clinical testing. Allele origin: unknown.
Comment: The copy number gain of 2q11.1q11.2 involves numerous protein-coding genes. A similar duplication was identified in a fetus in the form of a small supernumerary marker chromosome (Chen 2020). Smaller duplications fully contained within this interval have been reported in individuals with variable phenotypes (Riley 2015, Rudd 2009). However, in at least one family the duplication was inherited from a reportedly unaffected parent (Riley 2015, Zhang 2022), suggesting reduced penetrance. Based upon gene content and current medical literature, this copy number variant (CNV) is classified as likely pathogenic. References: Chen et al., Taiwan J Obstet Gynecol. 2020 Nov;59(6):941-944. PMID: 33218417 Coe et al., Nat Genet. 2014 Oct;46(10):1063-71. PMID: 25217958 Riley et al., Am J Med Genet A. 2015 Nov;167A(11):2664-73. PMID: 26227573 Rudd et al., Hum Mol Genet. 2009 Aug 15;18(16):2957-62. PMID: 19443486 Zhang et al., Mol Cytogenet. 2022 Aug 15;15(1):34. PMID: 35971114

GRCh37/hg19 2q11.1-11.2(chr2:95773428-102550061)x3

Genes: ACTR1B (actin related protein 1B; minus strand), ADRA2B (adrenoceptor alpha 2B; minus strand), AFF3 (ALF transcription elongation factor 3; minus strand), ANKRD23 (ankyrin repeat domain 23; minus strand), ANKRD36 (ankyrin repeat domain 36; plus strand) and 61 more. Cytogenetic location: 2q11.1-11.2.
Variant type: copy number gain.
Change: copy number 3 (three copies instead of two) of chr2:95,773,428-102,550,061 (6.78 Mb, GRCh37 coordinates, 1-based), cytogenetic band 2q11.1-11.2.
Identifiers: ClinVar variation 2685857 (VCV002685857.1).